The following is an entry in ClinVar:

ClinVar aggregate classification (germline): Conflicting classifications of pathogenicity. Review status: criteria provided, conflicting classifications (1 of 4 stars). 4 submissions from 4 submitters: Uncertain significance (3); Benign (1). Last evaluated 2025-11-13.

Conditions:
Tuberous sclerosis syndrome (TSC). Also called: Tuberous Sclerosis Complex; Tuberous sclerosis. Identifiers: Orphanet 805, MedGen C0041341, MONDO:0001734.
Tuberous sclerosis 2 (TSC2). Identifiers: Orphanet 805, MedGen C1860707, MONDO:0013199, OMIM 613254.
Lymphangiomyomatosis (LAM). Also called: Lymphangioleiomyomatosis, somatic; Lymphangioleiomyomatosis. Identifiers: Orphanet 538, MedGen C0751674, MONDO:0011705, OMIM 606690.
Isolated focal cortical dysplasia type II (FCORD2). Also called: Focal cortical dysplasia type II; CORTICAL DYSPLASIA OF TAYLOR. Identifiers: Orphanet 268994, MedGen C1846385, MONDO:0011818, OMIM 607341, HP:0032051.
Hereditary cancer-predisposing syndrome. Also called: Neoplastic Syndromes, Hereditary; Hereditary neoplastic syndrome; Hereditary Cancer Syndrome; Tumor predisposition. Identifiers: Orphanet 140162, MedGen C0027672, MeSH D009386, MONDO:0015356.

Allele frequency attached by ClinVar (database versions not stated): gnomAD 0.00001.
gnomAD v4.1: 1 of 1,612,884 alleles (0.000062%); highest among the groups gnomAD compares: African/African-American, 0.0013%; no homozygotes.

Submissions (4):

Labcorp Genetics (formerly Invitae), Labcorp
Classification: Benign for Tuberous sclerosis 2. Last evaluated: 2025-11-13. Review status: criteria provided, single submitter. Criteria: Invitae Variant Classification Sherloc (09022015). Collection method: clinical testing. Allele origin: germline.

Color Diagnostics, LLC DBA Color Health
Classification: Uncertain significance for Tuberous sclerosis syndrome. Last evaluated: 2025-06-25. Review status: criteria provided, single submitter. Criteria: ACMG Guidelines, 2015. Collection method: clinical testing. Allele origin: germline.
Comment: This missense variant replaces serine with glycine at codon 981 of the TSC2 protein. Computational prediction is inconclusive regarding the impact of this variant on protein structure and function. To our knowledge, functional studies have not been reported for this variant. This variant has not been reported in individuals affected with TSC2-related disorders in the literature. This variant has not been identified in the general population by the Genome Aggregation Database (gnomAD). The available evidence is insufficient to determine the role of this variant in disease conclusively. Therefore, this variant is classified as a Variant of Uncertain Significance.

Ambry Genetics
Classification: Uncertain significance for Hereditary cancer-predisposing syndrome. Last evaluated: 2024-10-29. Review status: criteria provided, single submitter. Criteria: Ambry Variant Classification Scheme 2023. Collection method: clinical testing. Allele origin: germline.
Comment: The p.S981G variant (also known as c.2941A>G), located in coding exon 25 of the TSC2 gene, results from an A to G substitution at nucleotide position 2941. The serine at codon 981 is replaced by glycine, an amino acid with similar properties. This amino acid position is highly conserved in available vertebrate species. In silico splice site analysis predicts that this alteration will result in the creation or strengthening of a novel splice donor site; however, direct evidence is insufficient at this time (Ambry internal data). In addition, as a missense, this alteration is predicted to be deleterious by in silico analysis. Based on the available evidence, the clinical significance of this variant remains unclear.

Fulgent Genetics
Classification: Uncertain significance for Lymphangiomyomatosis; Isolated focal cortical dysplasia type II; Tuberous sclerosis 2. Last evaluated: 2024-01-08. Review status: criteria provided, single submitter. Criteria: ACMG Guidelines, 2015. Collection method: clinical testing. Allele origin: germline.

NM_000548.5(TSC2):c.2941A>G (p.Ser981Gly)

Gene: TSC2 (TSC complex subunit 2; plus strand). Cytogenetic location: 16p13.3.
Variant type: single nucleotide variant.
Coding change: c.2941A>G on transcript NM_000548.5 (MANE Select); coding-DNA position 2941, A replaced by G.
Protein change: p.Ser981Gly; replaces serine 981 with glycine.
Molecular consequence: missense variant. On other transcripts: intron variant (9).
Genome position (GRCh38, 1-based): chr16:2,077,701, A>G. VCF-style: chr16-2077701-A-G. GRCh37 (hg19) VCF-style: chr16-2127702-A-G.
Other names: c.2941A>G, p.Ser981Gly (NM_001114382.3); c.2837+1116A>G (NM_021055.3, NM_001370405.1, NM_001363528.2 and 2 more transcripts); c.2726+1116A>G (NM_001318827.2); c.2237+1116A>G (NM_001318831.2); c.2690+1116A>G (NM_001318829.2); c.2870+1116A>G (NM_001318832.2); c.2941A>G (NM_000548.3); short protein forms S981G.
Identifiers: ClinVar variation 999644 (VCV000999644.13), dbSNP rs2089595149, ClinGen allele CA394281450.